The following is an entry in ClinVar:

NM_139276.3(STAT3):c.804G>A (p.Thr268=)

Gene: STAT3 (signal transducer and activator of transcription 3; minus strand). Cytogenetic location: 17q21.2.
Variant type: single nucleotide variant.
Coding change: c.804G>A on transcript NM_139276.3 (MANE Select); coding-DNA position 804, G replaced by A.
Protein change: p.Thr268=; no amino-acid change (threonine 268 retained).
Molecular consequence: synonymous variant.
Genome position (GRCh38, 1-based): chr17:42,334,043, C>T on the plus strand (G>A on the coding strand, the complement: STAT3 is on the minus strand). VCF-style: chr17-42334043-C-T. GRCh37 (hg19) VCF-style: chr17-40486061-C-T.
Other names: c.804G>A, p.Thr268= (NM_001369512.1, NM_001369513.1, NM_001369514.1 and 15 more transcripts); c.726G>A, p.Thr242= (NM_001384985.1); c.708G>A, p.Thr236= (NM_001384989.1).
Identifiers: ClinVar variation 740901 (VCV000740901.12), dbSNP rs755554248, ClinGen allele CA8575535.

ClinVar aggregate classification (germline): Likely benign. Review status: criteria provided, single submitter (1 of 4 stars). 2 submissions from 2 submitters: Likely benign (1). 1 of the submissions does not count toward it. Last evaluated 2026-01-13.

Conditions:
Hyper-IgE recurrent infection syndrome 1, autosomal dominant. Also called: Hyper-IgE recurrent infection syndrome 1; HYPER-IgE SYNDROME 1, AUTOSOMAL DOMINANT, WITH RECURRENT INFECTIONS; Job's Syndrome; STAT3 Hyper IgE Syndrome; JOB SYNDROME. Identifiers: Orphanet 2314, MedGen C2936739, MONDO:0007818, OMIM 147060.
STAT3 gain of function. Identifiers: MedGen C4288261.
STAT3-related disorder. Also called: STAT3-related condition.

Allele frequency attached by ClinVar (database versions not stated): gnomAD exomes 0.00002 and 0.00004; ExAC 0.00004; TOPMed 0.00005; gnomAD 0.00006.
gnomAD v4.1: 44 of 1,613,920 alleles (0.0027%); highest among the groups gnomAD compares: African/African-American, 0.0067%; no homozygotes.

Submissions (2):

Labcorp Genetics (formerly Invitae), Labcorp
Classification: Likely benign for STAT3 gain of function; Hyper-IgE recurrent infection syndrome 1, autosomal dominant. Last evaluated: 2026-01-13. Review status: criteria provided, single submitter. Criteria: Invitae Variant Classification Sherloc (09022015). Collection method: clinical testing. Allele origin: germline.

PreventionGenetics, part of Exact Sciences
Classification: Likely benign for STAT3-related condition. Last evaluated: 2023-11-27. Review status: no assertion criteria provided. Collection method: clinical testing. Allele origin: germline. Not counted in ClinVar's aggregate classification.
Comment: This variant is classified as likely benign based on ACMG/AMP sequence variant interpretation guidelines (Richards et al. 2015 PMID: 25741868, with internal and published modifications).